The following is an entry in ClinVar:

NM_003002.4(SDHD):c.53C>T (p.Ala18Val)

Gene: SDHD (succinate dehydrogenase complex subunit D; plus strand). Cytogenetic location: 11q23.1.
Variant type: single nucleotide variant.
Coding change: c.53C>T on transcript NM_003002.4 (MANE Select); coding-DNA position 53, C replaced by T.
Protein change: p.Ala18Val; replaces alanine 18 with valine.
Molecular consequence: missense variant. On other transcripts: non-coding transcript variant (1), intron variant (1).
Genome position (GRCh38, 1-based): chr11:112,087,857, C>T. VCF-style: chr11-112087857-C-T. GRCh37 (hg19) VCF-style: chr11-111958581-C-T.
Other names: c.53C>T, p.Ala18Val (NM_001276503.2, NM_001276506.2); c.52+898C>T (NM_001276504.2); short protein forms A18V.
Identifiers: ClinVar variation 302481 (VCV000302481.47), dbSNP rs192332761, ClinGen allele CA071521.

ClinVar aggregate classification (germline): Conflicting classifications of pathogenicity. Review status: criteria provided, conflicting classifications (1 of 4 stars). 15 submissions from 15 submitters: Uncertain significance (10); Likely benign (2). 3 of the submissions do not count toward it. Last evaluated 2026-07-20.

Conditions:
Hereditary cancer-predisposing syndrome. Also called: Hereditary Cancer Syndrome; Neoplastic Syndromes, Hereditary; Tumor predisposition; Hereditary neoplastic syndrome. Identifiers: Orphanet 140162, MedGen C0027672, MeSH D009386, MONDO:0015356.
SDHD-related disorder. Also called: SDHD-related condition.
Paragangliomas with sensorineural hearing loss. Identifiers: MedGen C1868633.
Carney-Stratakis syndrome. Also called: PARAGANGLIOMA AND GASTROINTESTINAL STROMAL TUMOR. Identifiers: Orphanet 97286, MedGen C1847319, MONDO:0011740, OMIM 606864.
Cowden syndrome 3 (CWS3). Identifiers: Orphanet 201, MedGen CN166604, MONDO:0014045.
Pheochromocytoma. Also called: MAX-Related Hereditary Paraganglioma-Pheochromocytoma Syndrome. Identifiers: Orphanet 29072, MedGen C0031511, MONDO:0008233, OMIM 171300, HP:0002666.
Mitochondrial complex 2 deficiency, nuclear type 3. Also called: MITOCHONDRIAL COMPLEX II DEFICIENCY, NUCLEAR TYPE 3. Identifiers: MedGen C5436934, MONDO:0030937, OMIM 619167.
Hereditary pheochromocytoma and paraganglioma. Also called: Hereditary Paraganglioma-Pheochromocytoma Syndromes; Hereditary paragangliomas and pheochromocytomas; Hereditary pheochromocytoma-paraganglioma. Identifiers: Orphanet 29072, MedGen C4274332, MONDO:0017366.
Pheochromocytoma/paraganglioma syndrome 1. Also called: PARAGANGLIOMATA; Paragangliomas 1; Glomus tumors familial 1; Paraganglioma - glomus jugulare; SDHD-Related Hereditary Paraganglioma-Pheochromocytoma Syndrome; PARAGANGLIOMAS, FAMILIAL NONCHROMAFFIN, 1. Identifiers: Orphanet 29072, MedGen C3494181, MONDO:0008192, OMIM 168000.

Allele frequency attached by ClinVar (database versions not stated): gnomAD exomes 0.00007 and 0.00015; ExAC 0.00008; gnomAD 0.00011; TOPMed 0.00012; 1000 Genomes Project 30x 0.00016; 1000 Genomes Project 0.00020.

Submissions (15):

PreventionGenetics, part of Exact Sciences
Classification: Uncertain significance for SDHD-related condition. Last evaluated: 2026-07-20. Review status: criteria provided, single submitter. Criteria: ACMG Guidelines, 2015. Collection method: clinical testing. Allele origin: germline.
Comment: The SDHD c.53C>T variant is predicted to result in the amino acid substitution p.Ala18Val. This variant was observed in an individual with an ACTH-producing pituitary adenoma; although no further evidence was provided to determine its pathogenicity (Xekouki et al. 2015. PubMed ID: 25695889). This variant is reported in 0.013% of alleles in individuals of European (Non-Finnish) descent in gnomAD and has conflicting interpretations regarding its pathogenicity in ClinVar, ranging from likely benign to uncertain (Variation ID: 302481). At this time, the clinical significance of this variant is uncertain due to the absence of conclusive functional and genetic evidence.

Color Diagnostics, LLC DBA Color Health
Classification: Likely benign for Hereditary pheochromocytoma and paraganglioma. Last evaluated: 2025-11-25. Review status: criteria provided, single submitter. Criteria: ACMG Guidelines, 2015. Collection method: clinical testing. Allele origin: germline.

GeneDx
Classification: Uncertain significance. Last evaluated: 2025-04-10. Review status: criteria provided, single submitter. Criteria: GeneDx Variant Classification Process June 2021. Collection method: clinical testing. Allele origin: germline. Affected: yes.
Comment: Observed in individuals with head/neck paraganglioma, pituitary adenoma, or other cancers (PMID: 32035780, 25695889, 36149413, 38473309); Not observed at significant frequency in large population cohorts (gnomAD); In silico analysis supports that this missense variant has a deleterious effect on protein structure/function; This variant is associated with the following publications: (PMID: 25695889, 28873162, 32035780, 30273935, 35938916, 36149413, 38473309, 39765842)

Labcorp Genetics (formerly Invitae), Labcorp
Classification: Uncertain significance for Carney-Stratakis syndrome; Paragangliomas with sensorineural hearing loss; Pheochromocytoma; Cowden syndrome 3. Last evaluated: 2025-02-03. Review status: criteria provided, single submitter. Criteria: Invitae Variant Classification Sherloc (09022015). Collection method: clinical testing. Allele origin: germline.
Comment: This sequence change replaces alanine, which is neutral and non-polar, with valine, which is neutral and non-polar, at codon 18 of the SDHD protein (p.Ala18Val). This variant is present in population databases (rs192332761, gnomAD 0.01%). This missense change has been observed in individual(s) with a pituitary adenoma (PMID: 25695889). ClinVar contains an entry for this variant (Variation ID: 302481). Invitae Evidence Modeling of protein sequence and biophysical properties (such as structural, functional, and spatial information, amino acid conservation, physicochemical variation, residue mobility, and thermodynamic stability) indicates that this missense variant is not expected to disrupt SDHD protein function with a negative predictive value of 95%. In summary, the available evidence is currently insufficient to determine the role of this variant in disease. Therefore, it has been classified as a Variant of Uncertain Significance.

Ambry Genetics
Classification: Uncertain significance for Hereditary cancer-predisposing syndrome. Last evaluated: 2025-01-07. Review status: criteria provided, single submitter. Criteria: Ambry Variant Classification Scheme 2023. Collection method: clinical testing. Allele origin: germline.
Comment: The p.A18V variant (also known as c.53C>T) is located in coding exon 2 of the SDHD gene. The alanine at codon 18 is replaced by valine, an amino acid with similar properties. This change occurs in the first base pair of coding exon 2. This alteration has been reported in individuals with pituitary adenomas, at least one of which demonstrated loss of SDHB by IHC analysis (Xekoui et al. J. Clin. Endocrinol. Metab. 2015 May;100(5): E710-9; Hern&aacute;ndez-Ram&iacute;rez LC et al. Genet Med, 2022 Dec;24:2516-2525). However, this variant has been detected in multiple individuals with no reported features of SDHD-associated disease (Rana HQ et al. Cancers (Basel), 2024 Feb;16; Ambry internal data). This amino acid position is highly conserved in available vertebrate species. In addition, the in silico prediction for this alteration is inconclusive. Based on the available evidence, the clinical significance of this variant remains unclear.

All of Us Research Program, National Institutes of Health
Classification: Uncertain significance for Hereditary pheochromocytoma and paraganglioma. Last evaluated: 2024-09-23. Review status: criteria provided, single submitter. Criteria: ACMG Guidelines, 2015. Collection method: clinical testing. Allele origin: germline. Inheritance: Autosomal dominant inheritance. Observed: 46 variant alleles, 46 heterozygotes.
Comment: This missense variant replaces alanine with valine at codon 18 of the SDHD protein. Computational prediction suggests that this variant may not impact protein structure and function (internally defined REVEL score threshold <= 0.5, PMID: 27666373). To our knowledge, functional studies have not been reported for this variant. This variant has been reported in individuals affected with head and neck paraganglioma and pituitary adenoma (PMID: 25695889, 32035780). This variant has been identified in 21/282830 chromosomes in the general population by the Genome Aggregation Database (gnomAD). The available evidence is insufficient to determine the role of this variant in disease conclusively. Therefore, this variant is classified as a Variant of Uncertain Significance.

This study involves interpretation of variants in research participants for the purpose of population health screening. Participant phenotype was not available at the time of variant classification. Additional details can be found in publication PMID: 35346344, PMCID: PMC8962531

Baylor Genetics
Classification: Uncertain significance for Mitochondrial complex 2 deficiency, nuclear type 3. Last evaluated: 2024-03-24. Review status: criteria provided, single submitter. Criteria: ACMG Guidelines, 2015. Collection method: clinical testing. Allele origin: unknown.

Sema4
Classification: Uncertain significance for Hereditary cancer-predisposing syndrome. Last evaluated: 2021-11-12. Review status: criteria provided, single submitter. Criteria: Sema4 Curation Guidelines. Collection method: curation. Allele origin: germline.
Comment: The SDHD c.53C>T (p.A18V) variant has been reported in at least 3 individuals with pituitary adenoma, carotid body tumor or with an unspecified advanced cancer (PMID: 25695889, 30273935, 32035780, 28873162). It was observed in 17/129176 chromosomes of the Non-Finnish European subpopulation in the large and broad cohorts of the Genome Aggregation Database (PMID: 32461654). The variant has been reported in ClinVar (Variation ID 302481). Functional studies have not been performed, and in silico predictions of the variant's effect on protein function are inconclusive. The evidence is insufficient to meet ACMG/AMP criteria for classifying the variant as benign or pathogenic. Thus, the clinical significance of this variant is currently uncertain.

St. Jude Molecular Pathology, St. Jude Children's Research Hospital
Classification: Uncertain significance for Hereditary pheochromocytoma and paraganglioma. Last evaluated: 2021-09-29. Review status: criteria provided, single submitter. Criteria: St. Jude Assertion Criteria 2020. Collection method: clinical testing. Allele origin: germline.
Comment: The SDHD c.53C>T (p.Ala18Val) missense change has a maximum subpopulation frequency of 0.013% in gnomAD v2.1.1. In silico tools are not in agreement about the effect of this variant on protein function, but to our knowledge these predictions have not been confirmed by functional assays. In addition, algorithms that predict the impact of sequence changes on splicing indicate that this variant does not affect splicing. This variant has been reported in an individual with an ACTH-secreting pituitary adenoma, mild neurocognitive defects, and anxiety (PMID: 25695889, 30273935). In summary, this variant meets criteria to be classified as of uncertain significance based on the ACMG/AMP criteria: no evidence criteria applied.

MGZ Medical Genetics Center
Classification: Uncertain significance for Pheochromocytoma/paraganglioma syndrome 1. Last evaluated: 2021-09-01. Review status: criteria provided, single submitter. Criteria: ACMG Guidelines, 2015. Collection method: clinical testing. Allele origin: germline. Affected: yes. Observed: 1 variant allele.
Comment: ACMG criteria applied: PM2_SUP, BP4

Quest Diagnostics Nichols Institute San Juan Capistrano
Classification: Uncertain significance. Last evaluated: 2020-02-13. Review status: criteria provided, single submitter. Criteria: Quest Diagnostics criteria. Collection method: clinical testing. Allele origin: unknown.

Illumina Laboratory Services, Illumina
Classification: Likely benign for Hereditary Paraganglioma-Pheochromocytoma Syndromes. Last evaluated: 2017-04-28. Review status: criteria provided, single submitter. Criteria: ICSL Variant Classification Criteria 13 December 2019. Collection method: clinical testing. Allele origin: germline.
Comment: This variant was observed as part of a predisposition screen in an ostensibly healthy population. A literature search was performed for the gene, cDNA change, and amino acid change (where applicable). No publications were found based on this search. Allele frequency data from public databases allowed determination this variant is unlikely to cause disease. Therefore, this variant is classified as likely benign.

Clinical Genetics DNA and cytogenetics Diagnostics Lab, Erasmus MC, Erasmus Medical Center
Classification: Likely benign. Review status: no assertion criteria provided. Collection method: clinical testing. Allele origin: germline. Affected: yes. Study: VKGL Data-share Consensus. Not counted in ClinVar's aggregate classification.

Diagnostic Laboratory, Department of Genetics, University Medical Center Groningen
Classification: Likely benign. Review status: no assertion criteria provided. Collection method: clinical testing. Allele origin: germline. Affected: yes. Study: VKGL Data-share Consensus. Not counted in ClinVar's aggregate classification.

Genome Diagnostics Laboratory, Amsterdam University Medical Center
Classification: Likely benign. Review status: no assertion criteria provided. Collection method: clinical testing. Allele origin: germline. Affected: yes. Study: VKGL Data-share Consensus. Not counted in ClinVar's aggregate classification.

Literature cited by the submitters: PubMed 25695889 (cited by 4 submitters); PubMed 32035780 (cited by 4 submitters); PubMed 36149413 (cited by Ambry Genetics); PubMed 38473309 (cited by Ambry Genetics); PubMed 30273935 (cited by Sema4 and Quest Diagnostics Nichols Institute San Juan Capistrano); PubMed 28873162 (cited by Sema4).